The following is an entry in ClinVar:

ClinVar aggregate classification (germline): Uncertain significance. Review status: criteria provided, multiple submitters, no conflicts (2 of 4 stars). 2 submissions from 2 submitters: Uncertain significance (2). Last evaluated 2025-04-19.

Conditions:
Age related macular degeneration 9. Identifiers: MedGen C1969651, MONDO:0012659, OMIM 611378.
Atypical hemolytic-uremic syndrome with C3 anomaly. Also called: AHUS, SUSCEPTIBILITY TO, 5. Identifiers: Orphanet 2134, MedGen C2752037, MONDO:0013043, OMIM 612925.
Complement component 3 deficiency. Identifiers: Orphanet 280133, MedGen C3151071, MONDO:0013417, OMIM 613779.

Allele frequency attached by ClinVar (database versions not stated): TOPMed below 0.00001; ExAC 0.00001; gnomAD exomes 0.00001.
gnomAD v4.1: 9 of 1,613,844 alleles (0.00056%); highest among the groups gnomAD compares: Admixed American, 0.0067%; no homozygotes.

Submissions (2):

Labcorp Genetics (formerly Invitae), Labcorp
Classification: Uncertain significance. Last evaluated: 2025-04-19. Review status: criteria provided, single submitter. Criteria: Invitae Variant Classification Sherloc (09022015). Collection method: clinical testing. Allele origin: germline.
Comment: This sequence change replaces glutamic acid, which is acidic and polar, with alanine, which is neutral and non-polar, at codon 279 of the C3 protein (p.Glu279Ala). This variant is present in population databases (rs777571948, gnomAD 0.01%). This variant has not been reported in the literature in individuals affected with C3-related conditions. ClinVar contains an entry for this variant (Variation ID: 2192447). Invitae Evidence Modeling of protein sequence and biophysical properties (such as structural, functional, and spatial information, amino acid conservation, physicochemical variation, residue mobility, and thermodynamic stability) indicates that this missense variant is not expected to disrupt C3 protein function with a negative predictive value of 80%. In summary, the available evidence is currently insufficient to determine the role of this variant in disease. Therefore, it has been classified as a Variant of Uncertain Significance.

Fulgent Genetics
Classification: Uncertain significance for Age related macular degeneration 9; Atypical hemolytic-uremic syndrome with C3 anomaly; Complement component 3 deficiency. Last evaluated: 2024-02-13. Review status: criteria provided, single submitter. Criteria: ACMG Guidelines, 2015. Collection method: clinical testing. Allele origin: germline.

NM_000064.4(C3):c.836A>C (p.Glu279Ala)

Gene: C3 (complement C3; minus strand). Cytogenetic location: 19p13.3.
Variant type: single nucleotide variant.
Coding change: c.836A>C on transcript NM_000064.4 (MANE Select); coding-DNA position 836, A replaced by C.
Protein change: p.Glu279Ala; replaces glutamic acid 279 with alanine.
Molecular consequence: missense variant.
Genome position (GRCh38, 1-based): chr19:6,713,447, T>G on the plus strand (A>C on the coding strand, the complement: C3 is on the minus strand). VCF-style: chr19-6713447-T-G. GRCh37 (hg19) VCF-style: chr19-6713458-T-G.
Other names: short protein forms E279A.
Identifiers: ClinVar variation 2192447 (VCV002192447.5), dbSNP rs777571948, ClinGen allele CA9129653.